The following is an entry in ClinVar:

ClinVar aggregate classification (germline): Likely benign. Review status: criteria provided, multiple submitters, no conflicts (2 of 4 stars). 2 submissions from 2 submitters: Likely benign (2). Last evaluated 2018-07-21.

Allele frequency attached by ClinVar (database versions not stated): 1000 Genomes Project 0.00768; 1000 Genomes Project 30x 0.00916.

Submissions (2):

GeneDx
Classification: Likely benign. Last evaluated: 2018-07-21. Review status: criteria provided, single submitter. Criteria: GeneDx Variant Classification Process June 2021. Collection method: clinical testing. Allele origin: germline. Affected: yes.
Comment: This variant is associated with the following publications: (PMID: 27625398)

Breakthrough Genomics
Classification: Likely benign. Review status: criteria provided, single submitter. Criteria: ACMG Guidelines, 2015. Collection method: not provided. Allele origin: germline. Inheritance: X-linked inheritance. Affected: yes.

NC_000023.11:g.78104069T>A

Gene: PGK1 (phosphoglycerate kinase 1; plus strand). Cytogenetic location: Xq21.1.
Variant type: single nucleotide variant.
Genome position: GRCh38 VCF-style: chrX-78104069-T-A. GRCh37 (hg19) VCF-style: chrX-77359566-T-A.
Identifiers: ClinVar variation 1200796 (VCV001200796.5), dbSNP rs150921338, ClinGen allele CA331585007.